The following is an entry in ClinVar:

NM_000271.5(NPC1):c.104A>T (p.Tyr35Phe)

Gene: NPC1 (NPC intracellular cholesterol transporter 1; minus strand). Cytogenetic location: 18q11.2.
Variant type: single nucleotide variant.
Coding change: c.104A>T on transcript NM_000271.5 (MANE Select); coding-DNA position 104, A replaced by T.
Protein change: p.Tyr35Phe; replaces tyrosine 35 with phenylalanine.
Molecular consequence: missense variant.
Genome position (GRCh38, 1-based): chr18:23,573,528, T>A on the plus strand (A>T on the coding strand, the complement: NPC1 is on the minus strand). VCF-style: chr18-23573528-T-A. GRCh37 (hg19) VCF-style: chr18-21153492-T-A.
Other names: short protein forms Y35F.
Identifiers: ClinVar variation 2150779 (VCV002150779.2), dbSNP rs2511357860, ClinGen allele CA402041342.

ClinVar aggregate classification (germline): Uncertain significance (1 of 4 stars; one submission).

Conditions:
Niemann-Pick disease, type C1. Also called: NEUROVISCERAL STORAGE DISEASE WITH VERTICAL SUPRANUCLEAR OPHTHALMOPLEGIA; NIEMANN-PICK DISEASE WITH CHOLESTEROL ESTERIFICATION BLOCK; NIEMANN-PICK DISEASE WITHOUT SPHINGOMYELINASE DEFICIENCY; NIEMANN-PICK DISEASE, CHRONIC NEURONOPATHIC FORM; NIEMANN-PICK DISEASE, VARIANT TYPE C1. Identifiers: Orphanet 646, MedGen C3179455, MONDO:0009757, OMIM 257220.

Submission:

Labcorp Genetics (formerly Invitae), Labcorp
Classification: Uncertain significance for Niemann-Pick disease, type C1. Last evaluated: 2024-10-15. Review status: criteria provided, single submitter. Criteria: Invitae Variant Classification Sherloc (09022015). Collection method: clinical testing. Allele origin: germline.
Comment: This sequence change replaces tyrosine, which is neutral and polar, with phenylalanine, which is neutral and non-polar, at codon 35 of the NPC1 protein (p.Tyr35Phe). This variant is not present in population databases (gnomAD no frequency). This variant has not been reported in the literature in individuals affected with NPC1-related conditions. ClinVar contains an entry for this variant (Variation ID: 2150779). Invitae Evidence Modeling of protein sequence and biophysical properties (such as structural, functional, and spatial information, amino acid conservation, physicochemical variation, residue mobility, and thermodynamic stability) indicates that this missense variant is not expected to disrupt NPC1 protein function with a negative predictive value of 95%. In summary, the available evidence is currently insufficient to determine the role of this variant in disease. Therefore, it has been classified as a Variant of Uncertain Significance.